The following is an entry in ClinVar:

NM_012452.3(TNFRSF13B):c.797C>T (p.Thr266Ile)

Gene: TNFRSF13B (TNF receptor superfamily member 13B; minus strand). Cytogenetic location: 17p11.2.
Variant type: single nucleotide variant.
Coding change: c.797C>T on transcript NM_012452.3 (MANE Select); coding-DNA position 797, C replaced by T.
Protein change: p.Thr266Ile; replaces threonine 266 with isoleucine.
Molecular consequence: missense variant.
Genome position (GRCh38, 1-based): chr17:16,939,632, G>A on the plus strand (C>T on the coding strand, the complement: TNFRSF13B is on the minus strand). VCF-style: chr17-16939632-G-A. GRCh37 (hg19) VCF-style: chr17-16842946-G-A.
Other names: short protein forms T266I.
Identifiers: ClinVar variation 322024 (VCV000322024.13), dbSNP rs752825527, ClinGen allele CA8413846.
Genomic context (GRCh38, chr17:16,939,632, plus strand): 5'-GCAGGCACACACACAATGCCAAGGCCACTGTCTGGGATGTGTGGGCAAGGCTGCAGGACT[G>A]TGGTCCTGGTGTGGCACCCCCACCTTCCAGCACAAGTGGGGTCGGGGGTCCCAGGCGTGA-3'
Protein context (NP_036584.1, residues 256-276): AGRWGCHTRT[Thr266Ile]VLQPCPHIPD

ClinVar aggregate classification (germline): Uncertain significance. Review status: criteria provided, multiple submitters, no conflicts (2 of 4 stars). 5 submissions from 5 submitters: Uncertain significance (5). Last evaluated 2025-03-04.

Conditions:
Inborn genetic diseases. Identifiers: MedGen C0950123, MeSH D030342.
Immunodeficiency, common variable, 2 (CVID2). Also called: ANTIBODY DEFICIENCY DUE TO TACI DEFECT; HYPOGAMMAGLOBULINEMIA DUE TO TACI DEFICIENCY. Identifiers: Orphanet 1572, MedGen C3150354, MONDO:0009413, OMIM 240500.

Allele frequency attached by ClinVar (database versions not stated): gnomAD exomes 0.00009 and 0.00025; gnomAD 0.00010 and 0.00011; TOPMed 0.00012; ExAC 0.00005.
gnomAD v4.1: 375 of 1,612,992 alleles (0.023%); highest among the groups gnomAD compares: Non-Finnish European, 0.03%; no homozygotes.

Submissions (5):

Center for Genomic Medicine, Rigshospitalet, Copenhagen University Hospital
Classification: Uncertain significance. Last evaluated: 2025-03-04. Review status: criteria provided, single submitter. Criteria: ACMG Guidelines, 2015. Collection method: clinical testing. Allele origin: germline.

Blueprint Genetics
Classification: Uncertain significance. Last evaluated: 2024-08-14. Review status: criteria provided, single submitter. Criteria: ACMG Guidelines, 2015. Collection method: clinical testing. Allele origin: germline.

Ambry Genetics
Classification: Uncertain significance for Inborn genetic diseases. Last evaluated: 2023-12-18. Review status: criteria provided, single submitter. Criteria: Ambry Variant Classification Scheme 2023. Collection method: clinical testing. Allele origin: germline.

Laboratorio de Genetica e Diagnostico Molecular, Hospital Israelita Albert Einstein
Classification: Uncertain significance for Immunodeficiency, common variable, 2. Last evaluated: 2023-01-06. Review status: criteria provided, single submitter. Criteria: ACMG Guidelines, 2015. Collection method: clinical testing. Allele origin: germline. Affected: yes. Observed: 1 variant allele.
Comment: ACMG classification criteria: BP4 supporting

Labcorp Genetics (formerly Invitae), Labcorp
Classification: Uncertain significance for Immunodeficiency, common variable, 2. Last evaluated: 2022-09-06. Review status: criteria provided, single submitter. Criteria: Invitae Variant Classification Sherloc (09022015). Collection method: clinical testing. Allele origin: germline.
Comment: This sequence change replaces threonine, which is neutral and polar, with isoleucine, which is neutral and non-polar, at codon 266 of the TNFRSF13B protein (p.Thr266Ile). This variant is present in population databases (rs752825527, gnomAD 0.02%). This variant has not been reported in the literature in individuals affected with TNFRSF13B-related conditions. ClinVar contains an entry for this variant (Variation ID: 322024). Algorithms developed to predict the effect of missense changes on protein structure and function (SIFT, PolyPhen-2, Align-GVGD) all suggest that this variant is likely to be tolerated. In summary, the available evidence is currently insufficient to determine the role of this variant in disease. Therefore, it has been classified as a Variant of Uncertain Significance.